The following is an entry in ClinVar:

NM_004369.4(COL6A3):c.6282+277T>G

Gene: COL6A3 (collagen type VI alpha 3 chain; minus strand). Cytogenetic location: 2q37.3.
Variant type: single nucleotide variant.
Coding change: c.6282+277T>G on transcript NM_004369.4 (MANE Select); 277 bases into the intron after coding-DNA position 6282, T replaced by G.
Molecular consequence: intron variant.
Genome position (GRCh38, 1-based): chr2:237,359,811, A>C on the plus strand (T>G on the coding strand, the complement: COL6A3 is on the minus strand). VCF-style: chr2-237359811-A-C. GRCh37 (hg19) VCF-style: chr2-238268454-A-C.
Other names: c.4461+277T>G (NM_057166.5); c.5664+277T>G (NM_057167.4).
Identifiers: ClinVar variation 668108 (VCV000668108.2), dbSNP rs2645768, ClinGen allele CA11175400.
Genomic context (GRCh38, chr2:237,359,811, plus strand): 5'-ACTCCACTCCCTTCCCTGACTGCTCCCACGGTCCAGGGCCGGGGCCGTGGGCACCAGCCT[A>C]CCCTCCGCCCTGGCCCATGTTCTCTCCTTGTGAGGGTTTCCTGGCTTCTTCATGTTTCCA-3'

ClinVar aggregate classification (germline): Benign. Review status: criteria provided, multiple submitters, no conflicts (2 of 4 stars). 2 submissions from 2 submitters: Benign (2). Last evaluated 2018-06-14.

Allele frequency attached by ClinVar (database versions not stated): gnomAD 0.33599 and 0.33838; TOPMed 0.34844; 1000 Genomes Project 0.39277; 1000 Genomes Project 30x 0.39897.
gnomAD v4.1: 50,887 of 151,928 alleles (33%); highest among the groups gnomAD compares: African/African-American, 57%; 10,272 homozygotes.

Submissions (2):

GeneDx
Classification: Benign. Last evaluated: 2018-06-14. Review status: criteria provided, single submitter. Criteria: GeneDx Variant Classification (06012015). Collection method: clinical testing. Allele origin: germline. Affected: yes.
Comment: This variant is considered likely benign or benign based on one or more of the following criteria: it is a conservative change, it occurs at a poorly conserved position in the protein, it is predicted to be benign by multiple in silico algorithms, and/or has population frequency not consistent with disease.

Breakthrough Genomics
Classification: Benign. Review status: criteria provided, single submitter. Criteria: ACMG Guidelines, 2015. Collection method: not provided. Allele origin: germline. Inheritance: Autosomal recessive inheritance. Affected: yes.